The following is an entry in ClinVar:

NM_001793.6(CDH3):c.391-7_391-3del

Gene: CDH3 (cadherin 3; plus strand). Cytogenetic location: 16q22.1.
Variant type: Deletion.
Coding change: c.391-7_391-3del on transcript NM_001793.6 (MANE Select); 7 bases into the intron before coding-DNA position 391 through 3 bases into the intron before coding-DNA position 391, 5 bases deleted (CCTCC; older notation c.391-7_391-3delCCTCC).
Molecular consequence: intron variant.
Genome position (GRCh38, 1-based): chr16:68,678,494-68,678,498, CCTCC deleted; deleting any 5 consecutive bases within chr16:68,678,493-68,678,498 gives the same sequence; the c. name uses the placement nearest the transcript's 3' end. VCF-style (leftmost placement, unchanged base first): chr16-68678492-TCCCTC-T. GRCh37 (hg19) VCF-style: chr16-68712395-TCCCTC-T.
Other names: c.226-7_226-3del (NM_001317196.2); c.391-7_391-3del (NM_001317195.3).
Identifiers: ClinVar variation 2124983 (VCV002124983.5), dbSNP rs777732049, ClinGen allele CA8129027.
Genomic context (GRCh38, chr16:68,678,492, plus strand): 5'-CAGAGGACTCTTTGTCACAGTCATGGGATATTTGTTACTTTGTCAGCTGCCATTTTCTTT[TCCCTC>T]CAGCTCAAGTCTAATAAAGATAGAGACACCAAGATTTTCTACAGCATCACGGGGCCGGGG-3'

ClinVar aggregate classification (germline): Uncertain significance. Review status: criteria provided, multiple submitters, no conflicts (2 of 4 stars). 2 submissions from 2 submitters: Uncertain significance (2). Last evaluated 2022-08-16.

Submissions (2):

Labcorp Genetics (formerly Invitae), Labcorp
Classification: Uncertain significance. Last evaluated: 2022-08-16. Review status: criteria provided, single submitter. Criteria: Invitae Variant Classification Sherloc (09022015). Collection method: clinical testing. Allele origin: germline.
Comment: In summary, the available evidence is currently insufficient to determine the role of this variant in disease. Therefore, it has been classified as a Variant of Uncertain Significance. Algorithms developed to predict the effect of sequence changes on RNA splicing suggest that this variant may create or strengthen a splice site. This variant has not been reported in the literature in individuals affected with CDH3-related conditions. This variant is present in population databases (rs777732049, gnomAD 0.002%). This sequence change falls in intron 4 of the CDH3 gene. It does not directly change the encoded amino acid sequence of the CDH3 protein.

Blueprint Genetics
Classification: Uncertain significance. Last evaluated: 2022-06-15. Review status: criteria provided, single submitter. Criteria: ACMG Guidelines, 2015. Collection method: clinical testing. Allele origin: germline.